The following is an entry in ClinVar:

ClinVar aggregate classification (germline): Uncertain significance (1 of 4 stars; one submission).

Submission:

Labcorp Genetics (formerly Invitae), Labcorp
Classification: Uncertain significance. Last evaluated: 2024-10-30. Review status: criteria provided, single submitter. Criteria: Invitae Variant Classification Sherloc (09022015). Collection method: clinical testing. Allele origin: germline.
Comment: This sequence change replaces leucine, which is neutral and non-polar, with tryptophan, which is neutral and slightly polar, at codon 146 of the LZTR1 protein (p.Leu146Trp). This variant is not present in population databases (gnomAD no frequency). This variant has not been reported in the literature in individuals affected with LZTR1-related conditions. Invitae Evidence Modeling of protein sequence and biophysical properties (such as structural, functional, and spatial information, amino acid conservation, physicochemical variation, residue mobility, and thermodynamic stability) indicates that this missense variant is not expected to disrupt LZTR1 protein function with a negative predictive value of 80%. In summary, the available evidence is currently insufficient to determine the role of this variant in disease. Therefore, it has been classified as a Variant of Uncertain Significance.

NM_006767.4(LZTR1):c.437T>G (p.Leu146Trp)

Gene: LZTR1 (leucine zipper like post translational regulator 1; plus strand). Cytogenetic location: 22q11.21.
Variant type: single nucleotide variant.
Coding change: c.437T>G on transcript NM_006767.4 (MANE Select); coding-DNA position 437, T replaced by G.
Protein change: p.Leu146Trp; replaces leucine 146 with tryptophan.
Molecular consequence: missense variant.
Genome position (GRCh38, 1-based): chr22:20,988,046, T>G. VCF-style: chr22-20988046-T-G. GRCh37 (hg19) VCF-style: chr22-21342335-T-G.
Other names: short protein forms L146W.
Identifiers: ClinVar variation 3638898 (VCV003638898.2).
Genomic context (GRCh38, chr22:20,988,046, plus strand): 5'-CAGTTTCTCACTCTCTTTACTCAGGGGGTTACACTGGGGACATTTATTCCAATTCTAACT[T>G]GAAGAATAAAAACGACCTCTTTGAATACAAGTTTGCAACTGGCCAGTGGACGGAGTGGAA-3'
Protein context (NP_006758.2, residues 136-156): YTGDIYSNSN[Leu146Trp]KNKNDLFEYK